The following is an entry in ClinVar:

NM_000217.3(KCNA1):c.724G>T (p.Ala242Ser)

Gene: KCNA1 (potassium voltage-gated channel subfamily A member 1; plus strand). Cytogenetic location: 12p13.32.
Variant type: single nucleotide variant.
Coding change: c.724G>T on transcript NM_000217.3 (MANE Select); coding-DNA position 724, G replaced by T.
Protein change: p.Ala242Ser; replaces alanine 242 with serine.
Molecular consequence: missense variant.
Genome position (GRCh38, 1-based): chr12:4,912,102, G>T. VCF-style: chr12-4912102-G-T. GRCh37 (hg19) VCF-style: chr12-5021268-G-T.
Other names: short protein forms A242S.
Identifiers: ClinVar variation 1929429 (VCV001929429.5), dbSNP rs28933381, ClinGen allele CA383455191.

ClinVar aggregate classification (germline): Uncertain significance (1 of 4 stars; one submission).

Conditions:
Episodic ataxia type 1 (EA1). Also called: ATAXIA, EPISODIC, WITH MYOKYMIA; Episodic ataxia/myokymia syndrome; MYOKYMIA WITH PERIODIC ATAXIA; PAROXYSMAL ATAXIA WITH NEUROMYOTONIA, HEREDITARY. Identifiers: Orphanet 37612, Orphanet 972, MedGen C1719788, MONDO:0008047, OMIM 160120.

Submission:

Labcorp Genetics (formerly Invitae), Labcorp
Classification: Uncertain significance for Episodic ataxia type 1. Last evaluated: 2022-04-11. Review status: criteria provided, single submitter. Criteria: Invitae Variant Classification Sherloc (09022015). Collection method: clinical testing. Allele origin: germline.
Comment: This sequence change replaces alanine, which is neutral and non-polar, with serine, which is neutral and polar, at codon 242 of the KCNA1 protein (p.Ala242Ser). This variant is not present in population databases (gnomAD no frequency). This missense change has been observed in individual(s) with clinical features of KCNA1-related conditions (PMID: 32139178). This variant is also known as p.Ala2428Ser. Algorithms developed to predict the effect of missense changes on protein structure and function are either unavailable or do not agree on the potential impact of this missense change (SIFT: "Deleterious"; PolyPhen-2: "Benign"; Align-GVGD: "Class C65"). In summary, the available evidence is currently insufficient to determine the role of this variant in disease. Therefore, it has been classified as a Variant of Uncertain Significance.

Literature cited by the submitters: PubMed 32139178.